The following is an entry in ClinVar:

ClinVar aggregate classification (germline): Uncertain significance (1 of 4 stars; one submission).

Allele frequency attached by ClinVar (database versions not stated): TOPMed below 0.00001; gnomAD 0.00001.
gnomAD v4.1: 5 of 1,611,912 alleles (0.00031%); highest among the groups gnomAD compares: Non-Finnish European, 0.00042%; no homozygotes.

Submission:

Labcorp Genetics (formerly Invitae), Labcorp
Classification: Uncertain significance. Last evaluated: 2022-09-26. Review status: criteria provided, single submitter. Criteria: Invitae Variant Classification Sherloc (09022015). Collection method: clinical testing. Allele origin: germline.
Comment: This sequence change affects an acceptor splice site in intron 8 of the DDX58 gene. It is expected to disrupt RNA splicing. Variants that disrupt the donor or acceptor splice site typically lead to a loss of protein function (PMID: 16199547), however the current clinical and genetic evidence is not sufficient to establish whether loss-of-function variants in DDX58 cause disease. This variant is not present in population databases (gnomAD no frequency). This variant has not been reported in the literature in individuals affected with DDX58-related conditions. Algorithms developed to predict the effect of sequence changes on RNA splicing suggest that this variant may disrupt the consensus splice site. In summary, the available evidence is currently insufficient to determine the role of this variant in disease. Therefore, it has been classified as a Variant of Uncertain Significance.

Literature cited by the submitters: PubMed 16199547.

NM_014314.4(RIGI):c.1213-2A>G

Gene: RIGI (RNA sensor RIG-I; minus strand). Cytogenetic location: 9p21.1.
Variant type: single nucleotide variant.
Coding change: c.1213-2A>G on transcript NM_014314.4 (MANE Select); the canonical splice acceptor site of the intron before coding-DNA position 1213, A replaced by G.
Molecular consequence: splice acceptor variant.
Genome position (GRCh38, 1-based): chr9:32,487,635, T>C on the plus strand (A>G on the coding strand, the complement: RIGI is on the minus strand). VCF-style: chr9-32487635-T-C. GRCh37 (hg19) VCF-style: chr9-32487633-T-C.
Other names: c.604-2A>G (NM_001385912.1); c.1198-2A>G (NM_001385913.1); c.1207-2A>G (NM_001385907.1); c.1213-2A>G (NM_001385909.1); c.769-2A>G (NM_001385914.1); c.772-2A>G (NM_001385910.1).
Identifiers: ClinVar variation 1944861 (VCV001944861.5), dbSNP rs1287736307, ClinGen allele CA373156216.
Genomic context (GRCh38, chr9:32,487,635, plus strand): 5'-AAGGCTTCATCTGTGTTTTTGGCATCCCCAACACCAACCGAGGCAGTCAGCCCAATGACC[T>C]GTAAGGAGCATTCAAAATCATTAGATGTCTGAGAAATGGTACAATGTTTCCACAACCCCT-3'